The following is an entry in ClinVar:

ClinVar aggregate classification (germline): Benign (1 of 4 stars; one submission).

Allele frequency attached by ClinVar (database versions not stated): gnomAD exomes 0.00377; gnomAD 0.00805; TOPMed 0.01453; 1000 Genomes Project 0.01478; 1000 Genomes Project 30x 0.01640.
gnomAD v4.1: 6,320 of 1,493,734 alleles (0.42%); highest among the groups gnomAD compares: Admixed American, 10%; 355 homozygotes.

Submission:

Unidad de Genómica Garrahan, Hospital de Pediatría Garrahan
Classification: Benign. Last evaluated: 2024-07-15. Review status: criteria provided, single submitter. Criteria: ACMG Guidelines, 2015. Collection method: clinical testing. Allele origin: germline. Affected: no. Observed: 26 variant alleles.
Comment: This variant is classified as Benign based on local population frequency. This variant was detected in 28% of patients studied in a panel designed for Epileptic and Developmental Encephalopathy and Progressive Myoclonus Epilepsy. Number of patients: 26. Only high quality variants are reported.

NM_001271.4(CHD2):c.2190-59G>T

Gene: CHD2 (chromodomain helicase DNA binding protein 2; plus strand). Cytogenetic location: 15q26.1.
Variant type: single nucleotide variant.
Coding change: c.2190-59G>T on transcript NM_001271.4 (MANE Select); 59 bases into the intron before coding-DNA position 2190, G replaced by T.
Molecular consequence: intron variant.
Genome position (GRCh38, 1-based): chr15:92,971,706, G>T. VCF-style: chr15-92971706-G-T. GRCh37 (hg19) VCF-style: chr15-93514936-G-T.
Identifiers: ClinVar variation 3255300 (VCV003255300.2), dbSNP rs146960880.